The following is an entry in ClinVar:

ClinVar aggregate classification (germline): Uncertain significance. Review status: criteria provided, multiple submitters, no conflicts (2 of 4 stars). 4 submissions from 4 submitters: Uncertain significance (3). 1 of the submissions does not count toward it. Last evaluated 2026-02-17.

Conditions:
AXIN2-related disorder.
Hereditary cancer-predisposing syndrome. Also called: Tumor predisposition; Hereditary neoplastic syndrome; Hereditary Cancer Syndrome; Neoplastic Syndromes, Hereditary. Identifiers: Orphanet 140162, MedGen C0027672, MeSH D009386, MONDO:0015356.
Oligodontia-cancer predisposition syndrome. Also called: TOOTH AGENESIS-COLORECTAL CANCER SYNDROME. Identifiers: Orphanet 300576, MedGen C1837750, MONDO:0012075, OMIM 608615. Disease mechanism: loss of function.

Allele frequency attached by ClinVar (database versions not stated): TOPMed below 0.00001; ExAC 0.00001; gnomAD 0.00001.
gnomAD v4.1: 1 of 1,614,088 alleles (0.000062%); highest among the groups gnomAD compares: African/African-American, 0.0013%; no homozygotes.

Submissions (4):

Ambry Genetics
Classification: Uncertain significance for Hereditary cancer-predisposing syndrome. Last evaluated: 2026-02-17. Review status: criteria provided, single submitter. Criteria: Ambry Variant Classification Scheme 2023. Collection method: clinical testing. Allele origin: germline.

Labcorp Genetics (formerly Invitae), Labcorp
Classification: Uncertain significance for Oligodontia-cancer predisposition syndrome. Last evaluated: 2025-04-21. Review status: criteria provided, single submitter. Criteria: Invitae Variant Classification Sherloc (09022015). Collection method: clinical testing. Allele origin: germline.
Comment: This sequence change replaces methionine, which is neutral and non-polar, with isoleucine, which is neutral and non-polar, at codon 210 of the AXIN2 protein (p.Met210Ile). This variant is not present in population databases (gnomAD no frequency). This variant has not been reported in the literature in individuals affected with AXIN2-related conditions. ClinVar contains an entry for this variant (Variation ID: 950934). Invitae Evidence Modeling of protein sequence and biophysical properties (such as structural, functional, and spatial information, amino acid conservation, physicochemical variation, residue mobility, and thermodynamic stability) indicates that this missense variant is not expected to disrupt AXIN2 protein function with a negative predictive value of 80%. In summary, the available evidence is currently insufficient to determine the role of this variant in disease. Therefore, it has been classified as a Variant of Uncertain Significance.

GeneDx
Classification: Uncertain significance. Last evaluated: 2024-09-30. Review status: criteria provided, single submitter. Criteria: GeneDx Variant Classification Process June 2021. Collection method: clinical testing. Allele origin: germline. Affected: yes.
Comment: Not observed at significant frequency in large population cohorts (gnomAD); In silico analysis indicates that this missense variant does not alter protein structure/function; Has not been previously published as pathogenic or benign to our knowledge

PreventionGenetics, part of Exact Sciences
Classification: Uncertain significance for AXIN2-related condition. Last evaluated: 2024-09-12. Review status: no assertion criteria provided. Collection method: clinical testing. Allele origin: germline. Not counted in ClinVar's aggregate classification.
Comment: The AXIN2 c.630G>C variant is predicted to result in the amino acid substitution p.Met210Ile. To our knowledge, this variant has not been reported in the literature or in a large population database, indicating this variant is rare. This variant is classified as a variant of uncertain significance in ClinVar. At this time, the clinical significance of this variant is uncertain due to the absence of conclusive functional and genetic evidence.

NM_004655.4(AXIN2):c.630G>C (p.Met210Ile)

Gene: AXIN2 (axin 2; minus strand). Cytogenetic location: 17q24.1.
Variant type: single nucleotide variant.
Coding change: c.630G>C on transcript NM_004655.4 (MANE Select); coding-DNA position 630, G replaced by C.
Protein change: p.Met210Ile; replaces methionine 210 with isoleucine.
Molecular consequence: missense variant.
Genome position (GRCh38, 1-based): chr17:65,557,991, C>G on the plus strand (G>C on the coding strand, the complement: AXIN2 is on the minus strand). VCF-style: chr17-65557991-C-G. GRCh37 (hg19) VCF-style: chr17-63554109-C-G.
Other names: c.630G>C, p.Met210Ile (NM_001363813.1); short protein forms M210I.
Identifiers: ClinVar variation 950934 (VCV000950934.14), dbSNP rs756185275, ClinGen allele CA8719017.